The following is an entry in ClinVar:

ClinVar aggregate classification (germline): Likely benign. Review status: criteria provided, multiple submitters, no conflicts (2 of 4 stars). 2 submissions from 2 submitters: Likely benign (2). Last evaluated 2025-06-01.

Conditions:
Tyrosinemia type III. Also called: 4-HYDROXYPHENYLPYRUVIC ACID OXIDASE DEFICIENCY; Tyrosinemia type 3; 4-alpha hydroxyphenylpyruvic acid oxidase deficiency; 4-alpha hydroxyphenylpyruvate dioxygenase deficiency; 4-Hydroxyphenylpyruvate dioxygenase deficiency. Identifiers: Orphanet 69723, MedGen C0268623, MONDO:0010162, OMIM 276710.
Hawkinsinuria. Identifiers: Orphanet 2118, MedGen C2931042, MONDO:0007700, OMIM 140350, HP:0034457.

Allele frequency attached by ClinVar (database versions not stated): ExAC 0.00001; TOPMed 0.00003; gnomAD 0.00004; 1000 Genomes Project 30x 0.00031.

Submissions (2):

CeGaT Center for Human Genetics Tuebingen
Classification: Likely benign. Last evaluated: 2025-06-01. Review status: criteria provided, single submitter. Criteria: CeGaT Center For Human Genetics Tuebingen Variant Classification Criteria Version 2. Collection method: clinical testing. Allele origin: germline. Affected: yes. Observed: 1 variant allele.
Comment: HPD: BP4, BP7

Labcorp Genetics (formerly Invitae), Labcorp
Classification: Likely benign for Tyrosinemia type III; Hawkinsinuria. Last evaluated: 2023-12-11. Review status: criteria provided, single submitter. Criteria: Invitae Variant Classification Sherloc (09022015). Collection method: clinical testing. Allele origin: germline.

NM_002150.3(HPD):c.882G>A (p.Thr294=)

Genes: TIALD (transcript inducer of AURKA lysosomal degradation; plus strand), HPD (4-hydroxyphenylpyruvate dioxygenase; minus strand). Cytogenetic location: 12q24.31.
Variant type: single nucleotide variant.
Coding change: c.882G>A on transcript NM_002150.3 (MANE Select); coding-DNA position 882, G replaced by A.
Protein change: p.Thr294=; no amino-acid change (threonine 294 retained).
Molecular consequence: synonymous variant.
Genome position (GRCh38, 1-based): chr12:121,843,782, C>T on the plus strand (G>A on the coding strand, the complement: HPD is on the minus strand). VCF-style: chr12-121843782-C-T. GRCh37 (hg19) VCF-style: chr12-122281688-C-T.
Other names: c.765G>A, p.Thr255= (NM_001171993.2).
Identifiers: ClinVar variation 744291 (VCV000744291.14), dbSNP rs200038783, ClinGen allele CA6839491.